The following is an entry in ClinVar:

NM_001017980.4(VMA21):c.15T>G (p.Asp5Glu)

Gene: VMA21 (vacuolar ATPase assembly factor VMA21; plus strand). Cytogenetic location: Xq28.
Variant type: single nucleotide variant.
Coding change: c.15T>G on transcript NM_001017980.4 (MANE Select); coding-DNA position 15, T replaced by G.
Protein change: p.Asp5Glu; replaces aspartic acid 5 with glutamic acid.
Molecular consequence: missense variant. On other transcripts: intron variant (1).
Genome position (GRCh38, 1-based): chrX:151,397,323, T>G. VCF-style: chrX-151397323-T-G. GRCh37 (hg19) VCF-style: chrX-150565795-T-G.
Other names: c.218+266T>G (NM_001363810.1); short protein forms D5E.
Identifiers: ClinVar variation 382097 (VCV000382097.37), dbSNP rs765120199, ClinGen allele CA10540534.

ClinVar aggregate classification (germline): Conflicting classifications of pathogenicity. Review status: criteria provided, conflicting classifications (1 of 4 stars). 5 submissions from 5 submitters: Uncertain significance (1); Likely benign (3). 1 of the submissions does not count toward it. Last evaluated 2025-09-23.

Conditions:
Inborn genetic diseases. Identifiers: MedGen C0950123, MeSH D030342.
VMA21-related disorder. Also called: VMA21-related condition.
X-linked myopathy with excessive autophagy (AVM). Also called: Vacuolar myopathy; Autophagic vacuolar myopathy. Identifiers: Orphanet 25980, MedGen C1839615, MONDO:0010684, OMIM 310440.

Allele frequency attached by ClinVar (database versions not stated): gnomAD 0.00031 and 0.00035; TOPMed 0.00042; gnomAD exomes 0.00043; ExAC 0.00092.
gnomAD v4.1: 504 of 1,161,102 alleles (0.043%); highest among the groups gnomAD compares: South Asian, 0.19%; 1 homozygote.

Submissions (5):

Labcorp Genetics (formerly Invitae), Labcorp
Classification: Likely benign for X-linked myopathy with excessive autophagy. Last evaluated: 2025-09-23. Review status: criteria provided, single submitter. Criteria: Invitae Variant Classification Sherloc (09022015). Collection method: clinical testing. Allele origin: germline.

CeGaT Center for Human Genetics Tuebingen
Classification: Likely benign. Last evaluated: 2024-06-01. Review status: criteria provided, single submitter. Criteria: CeGaT Center For Human Genetics Tuebingen Variant Classification Criteria Version 2. Collection method: clinical testing. Allele origin: germline. Affected: yes. Observed: 2 variant alleles.
Comment: VMA21: BS2

Ambry Genetics
Classification: Uncertain significance for Inborn genetic diseases. Last evaluated: 2022-09-22. Review status: criteria provided, single submitter. Criteria: Ambry Variant Classification Scheme 2023. Collection method: clinical testing. Allele origin: germline.

GeneDx
Classification: Likely benign. Last evaluated: 2016-07-22. Review status: criteria provided, single submitter. Criteria: GeneDx Variant Classification (06012015). Collection method: clinical testing. Allele origin: germline. Affected: yes.
Comment: This variant is considered likely benign or benign based on one or more of the following criteria: it is a conservative change, it occurs at a poorly conserved position in the protein, it is predicted to be benign by multiple in silico algorithms, and/or has population frequency not consistent with disease.

PreventionGenetics, part of Exact Sciences
Classification: Likely benign for VMA21-related condition. Last evaluated: 2020-07-15. Review status: no assertion criteria provided. Collection method: clinical testing. Allele origin: germline. Not counted in ClinVar's aggregate classification.
Comment: This variant is classified as likely benign based on ACMG/AMP sequence variant interpretation guidelines (Richards et al. 2015 PMID: 25741868, with internal and published modifications).